The following is an entry in ClinVar:

ClinVar aggregate classification (germline): Conflicting classifications of pathogenicity. Review status: criteria provided, conflicting classifications (1 of 4 stars). 4 submissions from 4 submitters: Likely pathogenic (3); Uncertain significance (1). Last evaluated 2025-07-31.

Conditions:
Chondrodysplasia punctata, brachytelephalangic, autosomal. Also called: BRACHYTELEPHALANGIC CHONDRODYSPLASIA PUNCTATA. Identifiers: MedGen C1844853, MONDO:0011238, OMIM 602497.
ARSE-related disorders.
X-linked chondrodysplasia punctata 1 (CDPX1). Also called: CHONDRODYSPLASIA PUNCTATA, BRACHYTELEPHALANGIC; Chondrodysplasia punctata, X-linked recessive. Identifiers: Orphanet 79345, MedGen C3669395, MONDO:0010555, OMIM 302950.

Allele frequency attached by ClinVar (database versions not stated): TOPMed below 0.00001; ExAC 0.00001; gnomAD exomes 0.00001.
gnomAD v4.1: 6 of 1,210,755 alleles (0.0005%); highest among the groups gnomAD compares: Middle Eastern, 0.023%; no homozygotes.

Submissions (4):

Variantyx, Inc.
Classification: Likely pathogenic for X-linked chondrodysplasia punctata 1. Last evaluated: 2025-07-31. Review status: criteria provided, single submitter. Criteria: Variantyx Assertion Criteria 2022. Collection method: clinical testing. Allele origin: maternal. Inheritance: X-linked recessive inheritance. Affected: yes.
Comment: This is a nonsynonymous variant in the ARSL gene (OMIM: 300180). Pathogenic variants in this gene have been associated with X-linked chondrodysplasia punctata. This variant has been reported in unrelated affected individuals (PMID: 23470839, 9863597, 36964972) (PS4_Moderate), and inter- and intrafamilial clinical variability has been described (PMID: 20301713). Functional studies have shown that this variant alters ARSL protein function (PMID: 23470839) (PS3_Moderate), and multiple computational algorithms predict a deleterious effect for this variant (REVEL score: 0.735) (PP3). This variant has a 0.0038% maximum allele frequency in non-founder control populations (PM2). Based on the current evidence, this variant is classified as likely pathogenic for X-linked chondrodysplasia punctata.

Genomic Medicine Center of Excellence, King Faisal Specialist Hospital and Research Centre
Classification: Uncertain significance for X-linked chondrodysplasia punctata 1. Last evaluated: 2024-03-17. Review status: criteria provided, single submitter. Criteria: ACMG Guidelines, 2015. Collection method: research. Allele origin: germline.

Labcorp Genetics (formerly Invitae), Labcorp
Classification: Likely pathogenic for Chondrodysplasia punctata, brachytelephalangic, autosomal. Last evaluated: 2023-07-30. Review status: criteria provided, single submitter. Criteria: Invitae Variant Classification Sherloc (09022015). Collection method: clinical testing. Allele origin: germline.
Comment: This sequence change replaces glycine, which is neutral and non-polar, with arginine, which is basic and polar, at codon 317 of the ARSE protein (p.Gly317Arg). This variant is present in population databases (no rsID available, gnomAD 0.001%). This missense change has been observed in individuals with chondrodysplasia punctata (PMID: 9863597, 23470839; Invitae). ClinVar contains an entry for this variant (Variation ID: 1683192). Advanced modeling of protein sequence and biophysical properties (such as structural, functional, and spatial information, amino acid conservation, physicochemical variation, residue mobility, and thermodynamic stability) has been performed at Invitae for this missense variant, however the output from this modeling did not meet the statistical confidence thresholds required to predict the impact of this variant on ARSE protein function. Experimental studies have shown that this missense change affects ARSE function (PMID: 23470839). In summary, the currently available evidence indicates that the variant is pathogenic, but additional data are needed to prove that conclusively. Therefore, this variant has been classified as Likely Pathogenic.

Blueprint Genetics
Classification: Likely pathogenic for ARSE-related disorders. Last evaluated: 2022-02-01. Review status: criteria provided, single submitter. Criteria: ACMG Guidelines, 2015. Collection method: clinical testing. Allele origin: germline. Affected: yes. Observed: 2 variant alleles.

Literature cited by the submitters: PubMed 23470839 (cited by Variantyx, Inc. and Labcorp Genetics (formerly Invitae), Labcorp); PubMed 9863597 (cited by Variantyx, Inc. and Labcorp Genetics (formerly Invitae), Labcorp); PubMed 36964972 (cited by Variantyx, Inc.).

NM_000047.3(ARSL):c.949G>A (p.Gly317Arg)

Gene: ARSL (arylsulfatase L; minus strand). Cytogenetic location: Xp22.33.
Variant type: single nucleotide variant.
Coding change: c.949G>A on transcript NM_000047.3 (MANE Select); coding-DNA position 949, G replaced by A.
Protein change: p.Gly317Arg; replaces glycine 317 with arginine.
Molecular consequence: missense variant.
Genome position (GRCh38, 1-based): chrX:2,946,040, C>T on the plus strand (G>A on the coding strand, the complement: ARSL is on the minus strand). VCF-style: chrX-2946040-C-T. GRCh37 (hg19) VCF-style: chrX-2864081-C-T.
Other names: c.1024G>A, p.Gly342Arg (NM_001282628.2, NM_001369080.1); c.787G>A, p.Gly263Arg (NM_001282631.2); c.976G>A, p.Gly326Arg (NM_001369079.1); short protein forms G263R, G317R, G326R, G342R.
Identifiers: ClinVar variation 1683192 (VCV001683192.11), dbSNP rs1178912922, ClinGen allele CA10338119.